The following is an entry in ClinVar:

NM_001378454.1(ALMS1):c.9304T>C (p.Leu3102=)

Gene: ALMS1 (ALMS1 centrosome and basal body associated protein; plus strand). Cytogenetic location: 2p13.1.
Variant type: single nucleotide variant.
Coding change: c.9304T>C on transcript NM_001378454.1 (MANE Select); coding-DNA position 9304, T replaced by C.
Protein change: p.Leu3102=; no amino-acid change (leucine 3102 retained).
Molecular consequence: synonymous variant.
Genome position (GRCh38, 1-based): chr2:73,491,263, T>C. VCF-style: chr2-73491263-T-C. GRCh37 (hg19) VCF-style: chr2-73718390-T-C.
Other names: c.9307T>C, p.Leu3103= (NM_015120.4).
Identifiers: ClinVar variation 512552 (VCV000512552.4), dbSNP rs537370242, ClinGen allele CA1714631.

ClinVar aggregate classification (germline): Likely benign. Review status: criteria provided, multiple submitters, no conflicts (2 of 4 stars). 2 submissions from 2 submitters: Likely benign (2). Last evaluated 2024-07-30.

Conditions:
Alstrom syndrome (ALMS). Identifiers: Orphanet 64, MedGen C0268425, MONDO:0008763, OMIM 203800.

Allele frequency attached by ClinVar (database versions not stated): gnomAD exomes below 0.00001; ExAC 0.00001; gnomAD 0.00001; 1000 Genomes Project 0.00020; 1000 Genomes Project 30x 0.00031.
gnomAD v4.1: 1 of 1,614,148 alleles (0.000062%); highest among the groups gnomAD compares: African/African-American, 0.0013%; no homozygotes.

Submissions (2):

Labcorp Genetics (formerly Invitae), Labcorp
Classification: Likely benign for Alstrom syndrome. Last evaluated: 2024-07-30. Review status: criteria provided, single submitter. Criteria: Invitae Variant Classification Sherloc (09022015). Collection method: clinical testing. Allele origin: germline.

GeneDx
Classification: Likely benign. Last evaluated: 2017-10-05. Review status: criteria provided, single submitter. Criteria: GeneDx Variant Classification (06012015). Collection method: clinical testing. Allele origin: germline. Affected: yes.
Comment: This variant is considered likely benign or benign based on one or more of the following criteria: it is a conservative change, it occurs at a poorly conserved position in the protein, it is predicted to be benign by multiple in silico algorithms, and/or has population frequency not consistent with disease.